The following is an entry in ClinVar:

ClinVar aggregate classification (germline): Uncertain significance (1 of 4 stars; one submission).

gnomAD v4.1: 1 of 1,609,042 alleles (0.000062%); highest among the groups gnomAD compares: Non-Finnish European, 0.000085%; no homozygotes.

Submission:

Labcorp Genetics (formerly Invitae), Labcorp
Classification: Uncertain significance. Last evaluated: 2025-04-01. Review status: criteria provided, single submitter. Criteria: Invitae Variant Classification Sherloc (09022015). Collection method: clinical testing. Allele origin: germline.
Comment: This sequence change replaces lysine, which is basic and polar, with glutamic acid, which is acidic and polar, at codon 290 of the KIAA0753 protein (p.Lys290Glu). This variant is present in population databases (no rsID available, gnomAD 0.0009%). This variant has not been reported in the literature in individuals affected with KIAA0753-related conditions. An algorithm developed to predict the effect of missense changes on protein structure and function (PolyPhen-2) suggests that this variant is likely to be tolerated. In summary, the available evidence is currently insufficient to determine the role of this variant in disease. Therefore, it has been classified as a Variant of Uncertain Significance.

NM_014804.3(KIAA0753):c.868A>G (p.Lys290Glu)

Gene: KIAA0753 (KIAA0753; minus strand). Cytogenetic location: 17p13.1.
Variant type: single nucleotide variant.
Coding change: c.868A>G on transcript NM_014804.3 (MANE Select); coding-DNA position 868, A replaced by G.
Protein change: p.Lys290Glu; replaces lysine 290 with glutamic acid.
Molecular consequence: missense variant. On other transcripts: non-coding transcript variant (1), intron variant (1).
Genome position (GRCh38, 1-based): chr17:6,623,529, T>C on the plus strand (A>G on the coding strand, the complement: KIAA0753 is on the minus strand). VCF-style: chr17-6623529-T-C. GRCh37 (hg19) VCF-style: chr17-6526849-T-C.
Other names: c.-10+78A>G (NM_001351225.2); short protein forms K290E.
Identifiers: ClinVar variation 4716092 (VCV004716092.1).